The following is an entry in ClinVar:

NM_006017.3(PROM1):c.478A>G (p.Ile160Val)

Gene: PROM1 (prominin 1; minus strand). Cytogenetic location: 4p15.32.
Variant type: single nucleotide variant.
Coding change: c.478A>G on transcript NM_006017.3 (MANE Select); coding-DNA position 478, A replaced by G.
Protein change: p.Ile160Val; replaces isoleucine 160 with valine.
Molecular consequence: missense variant.
Genome position (GRCh38, 1-based): chr4:16,033,335, T>C on the plus strand (A>G on the coding strand, the complement: PROM1 is on the minus strand). VCF-style: chr4-16033335-T-C. GRCh37 (hg19) VCF-style: chr4-16034958-T-C.
Other names: c.451A>G, p.Ile151Val (NM_001145847.2, NM_001145848.2, NM_001145851.2 and 4 more transcripts); c.478A>G, p.Ile160Val (NM_001145849.2, NM_001145850.2); short protein forms I151V, I160V.
Identifiers: ClinVar variation 1467439 (VCV001467439.6), dbSNP rs902101079, ClinGen allele CA92573029.

ClinVar aggregate classification (germline): Uncertain significance (1 of 4 stars; one submission).

Allele frequency attached by ClinVar (database versions not stated): gnomAD exomes below 0.00001.
gnomAD v4.1: 1 of 1,613,826 alleles (0.000062%); highest among the groups gnomAD compares: Non-Finnish European, 0.000085%; no homozygotes.

Submission:

Labcorp Genetics (formerly Invitae), Labcorp
Classification: Uncertain significance. Last evaluated: 2026-01-05. Review status: criteria provided, single submitter. Criteria: Invitae Variant Classification Sherloc (09022015). Collection method: clinical testing. Allele origin: germline.
Comment: This sequence change replaces isoleucine, which is neutral and non-polar, with valine, which is neutral and non-polar, at codon 160 of the PROM1 protein (p.Ile160Val). This variant is present in population databases (no rsID available, gnomAD 0.003%). This variant has not been reported in the literature in individuals affected with PROM1-related conditions. ClinVar contains an entry for this variant (Variation ID: 1467439). Invitae Evidence Modeling of protein sequence and biophysical properties (such as structural, functional, and spatial information, amino acid conservation, physicochemical variation, residue mobility, and thermodynamic stability) indicates that this missense variant is not expected to disrupt PROM1 protein function with a negative predictive value of 80%. In summary, the available evidence is currently insufficient to determine the role of this variant in disease. Therefore, it has been classified as a Variant of Uncertain Significance.